The following is an entry in ClinVar:

ClinVar aggregate classification (germline): Likely benign (1 of 4 stars; one submission).

Allele frequency attached by ClinVar (database versions not stated): gnomAD exomes 0.00001.
gnomAD v4.1: 4 of 1,611,026 alleles (0.00025%); highest among the groups gnomAD compares: Middle Eastern, 0.017%; no homozygotes.

Submission:

GeneDx
Classification: Likely benign. Last evaluated: 2018-01-22. Review status: criteria provided, single submitter. Criteria: GeneDx Variant Classification (06012015). Collection method: clinical testing. Allele origin: germline. Affected: yes.
Comment: This variant is considered likely benign or benign based on one or more of the following criteria: it is a conservative change, it occurs at a poorly conserved position in the protein, it is predicted to be benign by multiple in silico algorithms, and/or has population frequency not consistent with disease.

NM_005159.5(ACTC1):c.-17C>G

Genes: GJD2-DT (GJD2 divergent transcript; plus strand), ACTC1 (actin alpha cardiac muscle 1; minus strand). Cytogenetic location: 15q14.
Variant type: single nucleotide variant.
Coding change: c.-17C>G on transcript NM_005159.5 (MANE Select); 17 bases upstream of the start codon, C replaced by G.
Molecular consequence: 5 prime UTR variant.
Genome position (GRCh38, 1-based): chr15:34,794,825, G>C on the plus strand (C>G on the coding strand, the complement: ACTC1 is on the minus strand). VCF-style: chr15-34794825-G-C. GRCh37 (hg19) VCF-style: chr15-35087026-G-C.
Other names: c.-17C>G (LRG_388t1).
Identifiers: ClinVar variation 514966 (VCV000514966.1), dbSNP rs1411090601, ClinGen allele CA617197537.